The following is an entry in ClinVar:

NM_016373.4(WWOX):c.919C>G (p.Leu307Val)

Gene: WWOX (WW domain containing oxidoreductase; plus strand). Cytogenetic location: 16q23.1.
Variant type: single nucleotide variant.
Coding change: c.919C>G on transcript NM_016373.4 (MANE Select); coding-DNA position 919, C replaced by G.
Protein change: p.Leu307Val; replaces leucine 307 with valine.
Molecular consequence: missense variant.
Genome position (GRCh38, 1-based): chr16:78,432,615, C>G. VCF-style: chr16-78432615-C-G. GRCh37 (hg19) VCF-style: chr16-78466512-C-G.
Other names: c.580C>G, p.Leu194Val (NM_001291997.2); short protein forms L194V, L307V.
Identifiers: ClinVar variation 955091 (VCV000955091.9), dbSNP rs200320711, ClinGen allele CA8183551.
Genomic context (GRCh38, chr16:78,432,615, plus strand): 5'-TATTGGGCGATGCTGGCTTATAACAGGTCCAAGCTCTGCAACATCCTCTTCTCCAACGAG[C>G]TGCACCGTCGCCTCTCCCCACGCGGGGTCACGTCGAACGCAGTGCATCCTGGAAATATGA-3'
Protein context (NP_057457.1, residues 297-317): KLCNILFSNE[Leu307Val]HRRLSPRGVT

ClinVar aggregate classification (germline): Uncertain significance. Review status: criteria provided, multiple submitters, no conflicts (2 of 4 stars). 3 submissions from 3 submitters: Uncertain significance (3). Last evaluated 2024-07-16.

Conditions:
Autosomal recessive spinocerebellar ataxia 12. Also called: SPINOCEREBELLAR ATAXIA WITH MENTAL RETARDATION AND EPILEPSY. Identifiers: Orphanet 284282, MedGen C3280452, MONDO:0013687, OMIM 614322.
Developmental and epileptic encephalopathy, 1 (DEE1). Also called: X-linked infantile spasms; West's syndrome; Tonic spasms with clustering, arrest of psychomotor development and hypsarrhythmia on EEG; X-Linked Infantile Spasm Syndrome; OHTAHARA SYNDROME, X-LINKED; INFANTILE SPASM SYNDROME, X-LINKED 1. Identifiers: MedGen C3463992, MONDO:0010632, OMIM 308350. Disease mechanism: loss of function.

Allele frequency attached by ClinVar (database versions not stated): ExAC 0.00004; gnomAD 0.00002; TOPMed 0.00002.
gnomAD v4.1: 43 of 1,614,092 alleles (0.0027%); highest among the groups gnomAD compares: Non-Finnish European, 0.0011%; no homozygotes.

Submissions (3):

Greenwood Genetic Center Diagnostic Laboratories, Greenwood Genetic Center
Classification: Uncertain significance. Last evaluated: 2024-07-16. Review status: criteria provided, single submitter. Criteria: ACMG Guidelines, 2015. Collection method: clinical testing. Allele origin: germline. Affected: yes.
Comment: PP3

Labcorp Genetics (formerly Invitae), Labcorp
Classification: Uncertain significance for Developmental and epileptic encephalopathy, 1; Autosomal recessive spinocerebellar ataxia 12. Last evaluated: 2022-08-15. Review status: criteria provided, single submitter. Criteria: Invitae Variant Classification Sherloc (09022015). Collection method: clinical testing. Allele origin: germline.
Comment: This sequence change replaces leucine, which is neutral and non-polar, with valine, which is neutral and non-polar, at codon 307 of the WWOX protein (p.Leu307Val). This variant is present in population databases (rs200320711, gnomAD 0.1%). This variant has not been reported in the literature in individuals affected with WWOX-related conditions. ClinVar contains an entry for this variant (Variation ID: 955091). Algorithms developed to predict the effect of missense changes on protein structure and function are either unavailable or do not agree on the potential impact of this missense change (SIFT: "Not Available"; PolyPhen-2: "Possibly Damaging"; Align-GVGD: "Not Available"). Algorithms developed to predict the effect of sequence changes on RNA splicing suggest that this variant may create or strengthen a splice site. In summary, the available evidence is currently insufficient to determine the role of this variant in disease. Therefore, it has been classified as a Variant of Uncertain Significance.

Genetic Services Laboratory, University of Chicago
Classification: Uncertain significance. Last evaluated: 2018-11-07. Review status: criteria provided, single submitter. Criteria: ACMG Guidelines, 2015. Collection method: clinical testing. Allele origin: germline. Affected: no.